The following is an entry in ClinVar:

NM_021098.3(CACNA1H):c.4586C>T (p.Pro1529Leu)

Gene: CACNA1H (calcium voltage-gated channel subunit alpha1 H; plus strand). Cytogenetic location: 16p13.3.
Variant type: single nucleotide variant.
Coding change: c.4586C>T on transcript NM_021098.3 (MANE Select); coding-DNA position 4586, C replaced by T.
Protein change: p.Pro1529Leu; replaces proline 1529 with leucine.
Molecular consequence: missense variant.
Genome position (GRCh38, 1-based): chr16:1,211,965, C>T. VCF-style: chr16-1211965-C-T. GRCh37 (hg19) VCF-style: chr16-1261965-C-T.
Other names: c.4586C>T, p.Pro1529Leu (NM_001005407.2); short protein forms P1529L.
Identifiers: ClinVar variation 387613 (VCV000387613.2), dbSNP rs1057522839, ClinGen allele CA16607230.

ClinVar aggregate classification (germline): Uncertain significance (1 of 4 stars; one submission).

Allele frequency attached by ClinVar (database versions not stated): gnomAD 0.00001; TOPMed 0.00001.
gnomAD v4.1: 5 of 1,613,404 alleles (0.00031%); highest among the groups gnomAD compares: East Asian, 0.0045%; no homozygotes.

Submission:

GeneDx
Classification: Uncertain significance. Last evaluated: 2016-07-08. Review status: criteria provided, single submitter. Criteria: GeneDx Variant Classification (06012015). Collection method: clinical testing. Allele origin: germline. Affected: yes.
Comment: The P1529L variant in the CACNA1H gene has not been reported previously as a pathogenic variant, nor as a benign variant, to our knowledge. The P1529L variant was not observed in approximately 6,400 individuals of European and African American ancestry in the NHLBI Exome Sequencing Project, indicating it is not a common benign variant in these populations. The P1529L variant is a semi-conservative amino acid substitution, which may impact secondary protein structure as these residues differ in some properties. This substitution occurs at a position that is conserved across species. In silico analysis predicts this variant is probably damaging to the protein structure/function. Based on the currently available evidence, we interpret P1529L as a variant of uncertain significance.